The following is an entry in ClinVar:

NM_002691.4(POLD1):c.3280C>T (p.Gln1094Ter)

Gene: POLD1 (DNA polymerase delta 1, catalytic subunit; plus strand). Cytogenetic location: 19q13.33.
Variant type: single nucleotide variant.
Coding change: c.3280C>T on transcript NM_002691.4 (MANE Select); coding-DNA position 3280, C replaced by T.
Protein change: p.Gln1094Ter; replaces glutamine 1094 with a stop codon.
Molecular consequence: nonsense. On other transcripts: non-coding transcript variant (1).
Genome position (GRCh38, 1-based): chr19:50,417,903, C>T. VCF-style: chr19-50417903-C-T. GRCh37 (hg19) VCF-style: chr19-50921160-C-T.
Other names: c.3280C>T, p.Gln1094Ter (NM_001256849.1); c.3358C>T, p.Gln1120Ter (NM_001308632.1); short protein forms Q1094*, Q1120*.
Identifiers: ClinVar variation 2111071 (VCV002111071.4), dbSNP rs1568643585, ClinGen allele CA406987832.
Genomic context (GRCh38, chr19:50,417,903, plus strand): 5'-CGGGACTGCCCCATCTTCTACATGCGCAAGAAGGTGCGGAAGGACCTGGAAGACCAGGAG[C>T]AGCTCCTGCGGCGCTTCGGACCCCCTGGACCTGAGGCCTGGTGACCTTGCAAGCATCCCA-3'

ClinVar aggregate classification (germline): Uncertain significance (1 of 4 stars; one submission).

Conditions:
POLD1-related polyposis and colorectal cancer syndrome (CRCS10). Also called: Colorectal cancer 10; COLORECTAL CANCER, SUSCEPTIBILITY TO, ON CHROMOSOME 19q; Colorectal cancer, susceptibility to, 10. Identifiers: Orphanet 220460, MedGen C2675481, MONDO:0012953, OMIM 612591.

Submission:

Labcorp Genetics (formerly Invitae), Labcorp
Classification: Uncertain significance for POLD1-related polyposis and colorectal cancer syndrome. Last evaluated: 2022-03-13. Review status: criteria provided, single submitter. Criteria: Invitae Variant Classification Sherloc (09022015). Collection method: clinical testing. Allele origin: germline.
Comment: In summary, the available evidence is currently insufficient to determine the role of this variant in disease. Therefore, it has been classified as a Variant of Uncertain Significance. Experimental studies and prediction algorithms are not available or were not evaluated, and the functional significance of this variant is currently unknown. This variant has not been reported in the literature in individuals affected with POLD1-related conditions. This variant is not present in population databases (gnomAD no frequency). This sequence change creates a premature translational stop signal (p.Gln1094*) in the POLD1 gene. While this is not anticipated to result in nonsense mediated decay, it is expected to disrupt the last 14 amino acid(s) of the POLD1 protein.